The following is an entry in ClinVar:

NM_001330260.2(SCN8A):c.4362C>T (p.Phe1454=)

Gene: SCN8A (sodium voltage-gated channel alpha subunit 8; plus strand). Cytogenetic location: 12q13.13.
Variant type: single nucleotide variant.
Coding change: c.4362C>T on transcript NM_001330260.2 (MANE Select); coding-DNA position 4362, C replaced by T.
Protein change: p.Phe1454=; no amino-acid change (phenylalanine 1454 retained).
Molecular consequence: synonymous variant.
Genome position (GRCh38, 1-based): chr12:51,789,361, C>T. VCF-style: chr12-51789361-C-T. GRCh37 (hg19) VCF-style: chr12-52183145-C-T.
Other names: c.4239C>T, p.Phe1413= (NM_001177984.3, NM_001369788.1); c.4362C>T, p.Phe1454= (NM_014191.4).
Identifiers: ClinVar variation 3067597 (VCV003067597.21), dbSNP rs2540306964, ClinGen allele CA479794982.
Genomic context (GRCh38, chr12:51,789,361, plus strand): 5'-TGAGGACAATATCTACATGTACATCTATTTTGTCATCTTCATCATCTTCGGCTCCTTCTT[C>T]ACCCTGAACCTGTTCATTGGTGTCATCATTGATAACTTCAATCAACAAAAGAAAAAGATA-3'
Protein context (NP_001317189.1, residues 1444-1464): FVIFIIFGSF[Phe1454=]TLNLFIGVII

ClinVar aggregate classification (germline): Likely benign (1 of 4 stars; one submission).

Allele frequency attached by ClinVar (database versions not stated): gnomAD exomes below 0.00001.
gnomAD v4.1: 3 of 1,614,076 alleles (0.00019%); highest among the groups gnomAD compares: East Asian, 0.0022%; no homozygotes.

Submission:

CeGaT Center for Human Genetics Tuebingen
Classification: Likely benign. Last evaluated: 2024-02-01. Review status: criteria provided, single submitter. Criteria: CeGaT Center For Human Genetics Tuebingen Variant Classification Criteria Version 2. Collection method: clinical testing. Allele origin: germline. Affected: yes. Observed: 1 variant allele.
Comment: SCN8A: PM2:Supporting, BP4, BP7